The following is an entry in ClinVar:

NM_006767.4(LZTR1):c.2108A>G (p.Asp703Gly)

Gene: LZTR1 (leucine zipper like post translational regulator 1; plus strand). Cytogenetic location: 22q11.21.
Variant type: single nucleotide variant.
Coding change: c.2108A>G on transcript NM_006767.4 (MANE Select); coding-DNA position 2108, A replaced by G.
Protein change: p.Asp703Gly; replaces aspartic acid 703 with glycine.
Molecular consequence: missense variant.
Genome position (GRCh38, 1-based): chr22:20,996,001, A>G. VCF-style: chr22-20996001-A-G. GRCh37 (hg19) VCF-style: chr22-21350290-A-G.
Other names: c.2108A>G (NM_006767.3); short protein forms D703G.
Identifiers: ClinVar variation 3715395 (VCV003715395.3).

ClinVar aggregate classification (germline): Uncertain significance. Review status: criteria provided, multiple submitters, no conflicts (2 of 4 stars). 2 submissions from 2 submitters: Uncertain significance (2). Last evaluated 2025-10-06.

Conditions:
Hereditary cancer-predisposing syndrome. Also called: Hereditary neoplastic syndrome; Neoplastic Syndromes, Hereditary; Hereditary Cancer Syndrome; Tumor predisposition. Identifiers: Orphanet 140162, MedGen C0027672, MeSH D009386, MONDO:0015356.
Cardiovascular phenotype. Identifiers: MedGen CN230736.

Submissions (2):

Ambry Genetics
Classification: Uncertain significance for Cardiovascular phenotype; Hereditary cancer-predisposing syndrome. Last evaluated: 2025-10-06. Review status: criteria provided, single submitter. Criteria: Ambry Variant Classification Scheme 2023. Collection method: clinical testing. Allele origin: germline.
Comment: The p.D703G variant (also known as c.2108A>G), located in coding exon 18 of the LZTR1 gene, results from an A to G substitution at nucleotide position 2108. The aspartic acid at codon 703 is replaced by glycine, an amino acid with similar properties. This amino acid position is conserved. In addition, the in silico prediction for this alteration is inconclusive. Based on the available evidence, the clinical significance of this variant remains unclear.

Labcorp Genetics (formerly Invitae), Labcorp
Classification: Uncertain significance. Last evaluated: 2024-04-15. Review status: criteria provided, single submitter. Criteria: Invitae Variant Classification Sherloc (09022015). Collection method: clinical testing. Allele origin: germline.
Comment: This sequence change replaces aspartic acid, which is acidic and polar, with glycine, which is neutral and non-polar, at codon 703 of the LZTR1 protein (p.Asp703Gly). This variant is not present in population databases (gnomAD no frequency). This variant has not been reported in the literature in individuals affected with LZTR1-related conditions. Advanced modeling of protein sequence and biophysical properties (such as structural, functional, and spatial information, amino acid conservation, physicochemical variation, residue mobility, and thermodynamic stability) performed at Invitae indicates that this missense variant is not expected to disrupt LZTR1 protein function with a negative predictive value of 80%. In summary, the available evidence is currently insufficient to determine the role of this variant in disease. Therefore, it has been classified as a Variant of Uncertain Significance.